The following is an entry in ClinVar:

NM_201253.3(CRB1):c.1196A>G (p.Asn399Ser)

Gene: CRB1 (crumbs cell polarity complex component 1; plus strand). Cytogenetic location: 1q31.3.
Variant type: single nucleotide variant.
Coding change: c.1196A>G on transcript NM_201253.3 (MANE Select); coding-DNA position 1196, A replaced by G.
Protein change: p.Asn399Ser; replaces asparagine 399 with serine.
Molecular consequence: missense variant. On other transcripts: non-coding transcript variant (2).
Genome position (GRCh38, 1-based): chr1:197,421,024, A>G. VCF-style: chr1-197421024-A-G. GRCh37 (hg19) VCF-style: chr1-197390154-A-G.
Other names: c.860A>G, p.Asn287Ser (NM_001193640.2); c.989A>G, p.Asn330Ser (NM_001257965.2); c.1196A>G, p.Asn399Ser (NM_001257966.2); short protein forms N330S, N399S, N287S.
Identifiers: ClinVar variation 2154143 (VCV002154143.2), dbSNP rs747303827, ClinGen allele CA1311885.

ClinVar aggregate classification (germline): Uncertain significance. Review status: criteria provided, multiple submitters, no conflicts (2 of 4 stars). 2 submissions from 2 submitters: Uncertain significance (2). Last evaluated 2022-07-27.

Conditions:
Retinitis pigmentosa 12 (RP12). Also called: RP WITH OR WITHOUT PRESERVED PARAARTERIOLE RETINAL PIGMENT EPITHELIUM; RETINITIS PIGMENTOSA WITH OR WITHOUT PARAARTERIOLAR PRESERVATION OF RETINAL PIGMENT EPITHELIUM; RP WITH OR WITHOUT PPRPE. Identifiers: Orphanet 791, MedGen C1838647, MONDO:0010818, OMIM 600105.
Leber congenital amaurosis 8 (LCA8). Identifiers: Orphanet 65, MedGen C3151202, MONDO:0013453, OMIM 613835.

Allele frequency attached by ClinVar (database versions not stated): TOPMed below 0.00001; gnomAD 0.00001; gnomAD exomes 0.00001.
gnomAD v4.1: 19 of 1,610,580 alleles (0.0012%); highest among the groups gnomAD compares: South Asian, 0.0099%; no homozygotes.

Submissions (2):

Labcorp Genetics (formerly Invitae), Labcorp
Classification: Uncertain significance for Leber congenital amaurosis 8; Retinitis pigmentosa 12. Last evaluated: 2022-07-27. Review status: criteria provided, single submitter. Criteria: Invitae Variant Classification Sherloc (09022015). Collection method: clinical testing. Allele origin: germline.
Comment: This sequence change replaces asparagine, which is neutral and polar, with serine, which is neutral and polar, at codon 399 of the CRB1 protein (p.Asn399Ser). This variant is present in population databases (rs747303827, gnomAD 0.006%). This variant has not been reported in the literature in individuals affected with CRB1-related conditions. Advanced modeling of protein sequence and biophysical properties (such as structural, functional, and spatial information, amino acid conservation, physicochemical variation, residue mobility, and thermodynamic stability) performed at Invitae indicates that this missense variant is not expected to disrupt CRB1 protein function. In summary, the available evidence is currently insufficient to determine the role of this variant in disease. Therefore, it has been classified as a Variant of Uncertain Significance.

Blueprint Genetics
Classification: Uncertain significance. Last evaluated: 2022-01-17. Review status: criteria provided, single submitter. Criteria: ACMG Guidelines, 2015. Collection method: clinical testing. Allele origin: germline.